The following is an entry in ClinVar:

NM_004500.4(HNRNPC):c.296G>A (p.Arg99Gln)

Gene: HNRNPC (heterogeneous nuclear ribonucleoprotein C; minus strand). Cytogenetic location: 14q11.2.
Variant type: single nucleotide variant.
Coding change: c.296G>A on transcript NM_004500.4 (MANE Select); coding-DNA position 296, G replaced by A.
Protein change: p.Arg99Gln; replaces arginine 99 with glutamine.
Molecular consequence: missense variant.
Genome position (GRCh38, 1-based): chr14:21,231,018, C>T on the plus strand (G>A on the coding strand, the complement: HNRNPC is on the minus strand). VCF-style: chr14-21231018-C-T. GRCh37 (hg19) VCF-style: chr14-21699177-C-T.
Other names: c.296G>A, p.Arg99Gln (NM_001077442.2, NM_001077443.2, NM_031314.3); short protein forms R99Q.
Identifiers: ClinVar variation 3766075 (VCV003766075.1).

ClinVar aggregate classification (germline): Pathogenic (1 of 4 stars; one submission).

Submission:

GeneDx
Classification: Pathogenic. Last evaluated: 2024-08-28. Review status: criteria provided, single submitter. Criteria: GeneDx Variant Classification Process June 2021. Collection method: clinical testing. Allele origin: germline. Affected: yes.
Comment: In silico analysis supports that this missense variant has a deleterious effect on protein structure/function; Not observed at significant frequency in large population cohorts (gnomAD); This variant is associated with the following publications: (PMID: 37541189)